The following is an entry in ClinVar:

NM_001692.4(ATP6V1B1):c.991C>T (p.Arg331Trp)

Gene: ATP6V1B1 (ATPase H+ transporting V1 subunit B1; plus strand). Cytogenetic location: 2p13.3.
Variant type: single nucleotide variant.
Coding change: c.991C>T on transcript NM_001692.4 (MANE Select); coding-DNA position 991, C replaced by T.
Protein change: p.Arg331Trp; replaces arginine 331 with tryptophan.
Molecular consequence: missense variant.
Genome position (GRCh38, 1-based): chr2:70,963,243, C>T. VCF-style: chr2-70963243-C-T. GRCh37 (hg19) VCF-style: chr2-71190373-C-T.
Other names: short protein forms R331W.
Identifiers: ClinVar variation 2056293 (VCV002056293.1), dbSNP rs982193032, ClinGen allele CA49702869.

ClinVar aggregate classification (germline): Uncertain significance (1 of 4 stars; one submission).

Allele frequency attached by ClinVar (database versions not stated): TOPMed 0.00001.
gnomAD v4.1: 43 of 1,613,934 alleles (0.0027%); highest among the groups gnomAD compares: Admixed American, 0.0033%; no homozygotes.

Submission:

Labcorp Genetics (formerly Invitae), Labcorp
Classification: Uncertain significance. Last evaluated: 2022-05-25. Review status: criteria provided, single submitter. Criteria: Invitae Variant Classification Sherloc (09022015). Collection method: clinical testing. Allele origin: germline.
Comment: This sequence change replaces arginine, which is basic and polar, with tryptophan, which is neutral and slightly polar, at codon 331 of the ATP6V1B1 protein (p.Arg331Trp). This variant is present in population databases (no rsID available, gnomAD 0.003%). This variant has not been reported in the literature in individuals affected with ATP6V1B1-related conditions. Algorithms developed to predict the effect of missense changes on protein structure and function (SIFT, PolyPhen-2, Align-GVGD) all suggest that this variant is likely to be disruptive. In summary, the available evidence is currently insufficient to determine the role of this variant in disease. Therefore, it has been classified as a Variant of Uncertain Significance.